The following is an entry in ClinVar:

ClinVar aggregate classification (germline): Benign. Review status: criteria provided, multiple submitters, no conflicts (2 of 4 stars). 12 submissions from 12 submitters: Benign (9). 3 of the submissions do not count toward it. Last evaluated 2026-02-03.

Conditions:
Collagen 6-related myopathy. Identifiers: MedGen CN117976, MONDO:0100225.
Bethlem myopathy 1A. Also called: MYOPATHY, BENIGN CONGENITAL, WITH CONTRACTURES; Bethlem myopathy 1; Bethlem Muscular Dystrophy. Identifiers: Orphanet 610, MedGen CN029274, MONDO:0024530, OMIM 158810.

Allele frequency attached by ClinVar (database versions not stated): ESP Exome Variant Server 0.08304; gnomAD 0.07226 and 0.07538; gnomAD exomes 0.04183; ExAC 0.04550; 1000 Genomes Project 30x 0.07964; TOPMed 0.08013; 1000 Genomes Project 0.07408.
gnomAD v4.1: 61,803 of 1,613,906 alleles (3.8%); highest among the groups gnomAD compares: African/African-American, 18%; 2,181 homozygotes.

Submissions (12):

Labcorp Genetics (formerly Invitae), Labcorp
Classification: Benign for Bethlem myopathy 1A. Last evaluated: 2026-02-03. Review status: criteria provided, single submitter. Criteria: Invitae Variant Classification Sherloc (09022015). Collection method: clinical testing. Allele origin: germline.

Athena Diagnostics
Classification: Benign. Last evaluated: 2022-03-31. Review status: criteria provided, single submitter. Criteria: Athena Diagnostics Criteria. Collection method: clinical testing. Allele origin: unknown.

Mayo Clinic Laboratories, Mayo Clinic
Classification: Benign. Last evaluated: 2022-03-17. Review status: criteria provided, single submitter. Criteria: ACMG Guidelines, 2015. Collection method: clinical testing. Allele origin: germline. Observed: 78 variant alleles.
Comment: BA1

Illumina Laboratory Services, Illumina
Classification: Benign for Collagen VI-related myopathy. Last evaluated: 2018-01-12. Review status: criteria provided, single submitter. Criteria: ICSL Variant Classification Criteria 13 December 2019. Collection method: clinical testing. Allele origin: germline.
Comment: This variant was observed in the ICSL laboratory as part of a predisposition screen in an ostensibly healthy population. It had not been previously curated by ICSL or reported in the Human Gene Mutation Database (HGMD: prior to June 1st, 2018), and was therefore a candidate for classification through an automated scoring system. Utilizing variant allele frequency, disease prevalence and penetrance estimates, and inheritance mode, an automated score was calculated to assess if this variant is too frequent to cause the disease. Based on the score and internal cut-off values, a variant classified as benign is not then subjected to further curation. The score for this variant resulted in a classification of benign for this disease.

GeneDx
Classification: Benign. Last evaluated: 2016-02-17. Review status: criteria provided, single submitter. Criteria: GeneDx Variant Classification (06012015). Collection method: clinical testing. Allele origin: germline. Affected: yes.
Comment: This variant is considered likely benign or benign based on one or more of the following criteria: it is a conservative change, it occurs at a poorly conserved position in the protein, it is predicted to be benign by multiple in silico algorithms, and/or has population frequency not consistent with disease.

Genetic Services Laboratory, University of Chicago
Classification: Benign for AllHighlyPenetrant. Last evaluated: 2013-08-15. Review status: criteria provided, single submitter. Criteria: ACMG Guidelines, 2007. Collection method: clinical testing. Allele origin: germline.

Eurofins Ntd Llc (ga)
Classification: Benign. Last evaluated: 2012-07-17. Review status: criteria provided, single submitter. Criteria: EGL Classification Definitions 2015. Collection method: clinical testing. Allele origin: germline. Observed: 15 variant alleles, 14 heterozygotes, 1 homozygote.

Breakthrough Genomics
Classification: Benign. Review status: criteria provided, single submitter. Criteria: ACMG Guidelines, 2015. Collection method: not provided. Allele origin: germline. Inheritance: Autosomal recessive inheritance. Affected: yes.

PreventionGenetics, part of Exact Sciences
Classification: Benign. Review status: criteria provided, single submitter. Criteria: ACMG Guidelines, 2015. Collection method: clinical testing. Allele origin: germline.

Clinical Genetics, Academic Medical Center
Classification: Likely benign. Review status: no assertion criteria provided. Collection method: clinical testing. Allele origin: germline. Affected: yes. Study: VKGL Data-share Consensus. Not counted in ClinVar's aggregate classification.

Joint Genome Diagnostic Labs from Nijmegen and Maastricht, Radboudumc and MUMC+
Classification: Benign. Review status: no assertion criteria provided. Collection method: clinical testing. Allele origin: germline. Affected: yes. Study: VKGL Data-share Consensus. Not counted in ClinVar's aggregate classification.

Laboratory of Diagnostic Genome Analysis, Leiden University Medical Center (LUMC)
Classification: Likely benign. Review status: no assertion criteria provided. Collection method: clinical testing. Allele origin: germline. Affected: yes. Study: VKGL Data-share Consensus. Not counted in ClinVar's aggregate classification.

NM_004369.4(COL6A3):c.6653C>T (p.Pro2218Leu)

Gene: COL6A3 (collagen type VI alpha 3 chain; minus strand). Cytogenetic location: 2q37.3.
Variant type: single nucleotide variant.
Coding change: c.6653C>T on transcript NM_004369.4 (MANE Select); coding-DNA position 6653, C replaced by T.
Protein change: p.Pro2218Leu; replaces proline 2218 with leucine.
Molecular consequence: missense variant.
Genome position (GRCh38, 1-based): chr2:237,353,378, G>A on the plus strand (C>T on the coding strand, the complement: COL6A3 is on the minus strand). VCF-style: chr2-237353378-G-A. GRCh37 (hg19) VCF-style: chr2-238262021-G-A.
Other names: c.4832C>T, p.Pro1611Leu (NM_057166.5); c.6035C>T, p.Pro2012Leu (NM_057167.4); short protein forms P1611L, P2012L.
Identifiers: ClinVar variation 94967 (VCV000094967.29), dbSNP rs36117715, ClinGen allele CA147997.